The following is an entry in ClinVar:

NM_001093.4(ACACB):c.1822G>A (p.Ala608Thr)

Gene: ACACB (acetyl-CoA carboxylase beta; plus strand). Cytogenetic location: 12q24.11.
Variant type: single nucleotide variant.
Coding change: c.1822G>A on transcript NM_001093.4 (MANE Select); coding-DNA position 1822, G replaced by A.
Protein change: p.Ala608Thr; replaces alanine 608 with threonine.
Molecular consequence: missense variant.
Genome position (GRCh38, 1-based): chr12:109,185,582, G>A. VCF-style: chr12-109185582-G-A. GRCh37 (hg19) VCF-style: chr12-109623387-G-A.
Other names: c.1822G>A, p.Ala608Thr (NM_001412734.1, NM_001412735.1); c.1216G>A, p.Ala406Thr (NM_001412736.1, NM_001412738.1, NM_001412739.1 and 2 more transcripts); c.1195G>A, p.Ala399Thr (NM_001412737.1); short protein forms A608T, A406T, A399T.
Identifiers: ClinVar variation 3806423 (VCV003806423.2).

ClinVar aggregate classification (germline): Uncertain significance. Review status: criteria provided, multiple submitters, no conflicts (2 of 4 stars). 2 submissions from 2 submitters: Uncertain significance (2). Last evaluated 2024-12-17.

Conditions:
ACACB-related disorder. Also called: ACACB-related condition.

gnomAD v4.1: 33 of 1,613,384 alleles (0.002%); highest among the groups gnomAD compares: South Asian, 0.016%; no homozygotes.

Submissions (2):

Ambry Genetics
Classification: Uncertain significance. Last evaluated: 2024-12-17. Review status: criteria provided, single submitter. Criteria: Ambry Variant Classification Scheme 2023. Collection method: clinical testing. Allele origin: germline.

PreventionGenetics, part of Exact Sciences
Classification: Uncertain significance for ACACB-related condition. Last evaluated: 2024-10-29. Review status: criteria provided, single submitter. Criteria: ACMG Guidelines, 2015. Collection method: clinical testing. Allele origin: germline.
Comment: The ACACB c.1822G>A variant is predicted to result in the amino acid substitution p.Ala608Thr. To our knowledge, this variant has not been reported in the literature. This variant is reported in 0.016% of alleles in individuals of South Asian descent in gnomAD. At this time, the clinical significance of this variant is uncertain due to the absence of conclusive functional and genetic evidence.